The following is an entry in ClinVar:

ClinVar aggregate classification (germline): Uncertain significance (1 of 4 stars; one submission).

Conditions:
Hypertrophic cardiomyopathy. Also called: HYPERTROPHIC MYOCARDIOPATHY. Identifiers: Orphanet 217569, MedGen C0007194, MeSH D002312, MONDO:0005045, HP:0001639.

Submission:

All of Us Research Program, National Institutes of Health
Classification: Uncertain significance for Hypertrophic cardiomyopathy. Last evaluated: 2023-08-15. Review status: criteria provided, single submitter. Criteria: ACMG Guidelines, 2015. Collection method: clinical testing. Allele origin: germline. Inheritance: Autosomal dominant inheritance. Observed: 1 variant allele, 1 heterozygote.
Comment: This study involves interpretation of variants in research participants for the purpose of population health screening. Participant phenotype was not available at the time of variant classification. Additional details can be found in publication PMID: 35346344, PMCID: PMC8962531

NM_000256.3(MYBPC3):c.338C>G (p.Ala113Gly)

Gene: MYBPC3 (myosin binding protein C3; minus strand). Cytogenetic location: 11p11.2.
Variant type: single nucleotide variant.
Coding change: c.338C>G on transcript NM_000256.3 (MANE Select); coding-DNA position 338, C replaced by G.
Protein change: p.Ala113Gly; replaces alanine 113 with glycine.
Molecular consequence: missense variant.
Genome position (GRCh38, 1-based): chr11:47,350,570, G>C on the plus strand (C>G on the coding strand, the complement: MYBPC3 is on the minus strand). VCF-style: chr11-47350570-G-C. GRCh37 (hg19) VCF-style: chr11-47372121-G-C.
Other names: short protein forms A113G.
Identifiers: ClinVar variation 3072316 (VCV003072316.1), dbSNP rs730880611, ClinGen allele CA380340830.